The following is an entry in ClinVar:

NM_001875.5(CPS1):c.3584A>G (p.His1195Arg)

Gene: CPS1 (carbamoyl-phosphate synthase 1; plus strand). Cytogenetic location: 2q34.
Variant type: single nucleotide variant.
Coding change: c.3584A>G on transcript NM_001875.5 (MANE Select); coding-DNA position 3584, A replaced by G.
Protein change: p.His1195Arg; replaces histidine 1195 with arginine.
Molecular consequence: missense variant. On other transcripts: non-coding transcript variant (2).
Genome position (GRCh38, 1-based): chr2:210,656,550, A>G. VCF-style: chr2-210656550-A-G. GRCh37 (hg19) VCF-style: chr2-211521274-A-G.
Other names: c.3584A>G, p.His1195Arg (NM_001122633.3, NM_001369257.1); c.3617A>G, p.His1206Arg (NM_001369256.1); short protein forms H1195R, H1206R.
Identifiers: ClinVar variation 4057282 (VCV004057282.1).

ClinVar aggregate classification (germline): Likely pathogenic (1 of 4 stars; one submission).

Conditions:
Congenital hyperammonemia, type I. Also called: CPS I DEFICIENCY; Carbamoyl phosphate synthetase 1 deficiency; Hyperammonemia due to carbamoyl phosphate synthetase 1 deficiency; CPS 1 deficiency; Carbamyl phosphate synthetase (CPS) deficiency; Carbamoyl phosphate synthetase I deficiency disease. Identifiers: Orphanet 147, MedGen C4082171, MONDO:0009376, OMIM 237300.

Submission:

Diagnostics Services (NGS), CSIR - Centre For Cellular And Molecular Biology
Classification: Likely pathogenic for Congenital hyperammonemia, type I. Last evaluated: 2025-05-02. Review status: criteria provided, single submitter. Criteria: ACMG Guidelines, 2015. Collection method: clinical testing. Allele origin: unknown. Affected: no. Observed: 2 variant alleles, 2 heterozygotes.
Comment: The c.3584A>G variant is not present in publicly available population databases like 1000 Genomes, EVS, gnomAD, Indian Exome Database or our internal database. The variant has neither been observed in affected individuals nor reported to any clinical databases like Human Genome Mutation Database (HGMD), OMIM, or ClinVar, in any affected individuals. In-silico pathogenicity prediction programs like SIFT, Polyphen-2, MutationTaster2021, CADD, Franklin, Varsome etc predicted this variant to be likely deleterious, however, these were not confirmed by any published functional studies. A different amino acid change in the same codon (c.3584A>C, p.His1195Pro) has been previously observed in affected individuals [PMID: 17310273] and reported as ‘Pathogenic’ to the clinical databases (HGMD ID: CM071658, Uniprot ID: VAR_063573). This variant has been identified in a couple as a part of carrier screening.